The following is an entry in ClinVar:

NM_024656.4(COLGALT1):c.223G>T (p.Glu75Ter)

Gene: COLGALT1 (collagen beta(1-O)galactosyltransferase 1; plus strand). Cytogenetic location: 19p13.11.
Variant type: single nucleotide variant.
Coding change: c.223G>T on transcript NM_024656.4 (MANE Select); coding-DNA position 223, G replaced by T.
Protein change: p.Glu75Ter; replaces glutamic acid 75 with a stop codon.
Molecular consequence: nonsense.
Genome position (GRCh38, 1-based): chr19:17,555,936, G>T. VCF-style: chr19-17555936-G-T. GRCh37 (hg19) VCF-style: chr19-17666745-G-T.
Other names: short protein forms E75*.
Identifiers: ClinVar variation 3025733 (VCV003025733.22), dbSNP rs2512865066, ClinGen allele CA404692524.

ClinVar aggregate classification (germline): Uncertain significance (1 of 4 stars; one submission).

Allele frequency attached by ClinVar (database versions not stated): gnomAD exomes below 0.00001.
gnomAD v4.1: 1 of 1,391,542 alleles (0.000072%); highest among the groups gnomAD compares: Non-Finnish European, 0.000093%; no homozygotes.

Submission:

CeGaT Center for Human Genetics Tuebingen
Classification: Uncertain significance. Last evaluated: 2024-02-01. Review status: criteria provided, single submitter. Criteria: CeGaT Center For Human Genetics Tuebingen Variant Classification Criteria Version 2. Collection method: clinical testing. Allele origin: germline. Affected: yes. Observed: 1 variant allele.
Comment: COLGALT1: PM2, PM4